The following is an entry in ClinVar:

ClinVar aggregate classification (germline): Uncertain significance (1 of 4 stars; one submission).

Submission:

GeneDx
Classification: Uncertain significance. Last evaluated: 2024-11-21. Review status: criteria provided, single submitter. Criteria: GeneDx Variant Classification Process June 2021. Collection method: clinical testing. Allele origin: germline. Affected: yes.
Comment: Not observed at significant frequency in large population cohorts (gnomAD); Has not been previously published as pathogenic or benign to our knowledge; In silico analysis is inconclusive as to whether the variant alters gene splicing. In the absence of RNA/functional studies, the actual effect of this sequence change is unknown.

NM_006885.4(ZFHX3):c.3968-13_3968-6del

Genes: ZFHX3 (zinc finger homeobox 3; minus strand), ZFHX3-AS1 (ZFHX3 antisense RNA 1; plus strand). Cytogenetic location: 16q22.2.
Variant type: Deletion.
Coding change: c.3968-13_3968-6del on transcript NM_006885.4 (MANE Select); 13 bases into the intron before coding-DNA position 3968 through 6 bases into the intron before coding-DNA position 3968, 8 bases deleted (TTTTTTTT; older notation c.3968-13_3968-6delTTTTTTTT).
Molecular consequence: intron variant.
Genome position (GRCh38, 1-based): chr16:72,798,720-72,798,727, AAAAAAAA deleted on the plus strand (TTTTTTTT on the coding strand, the reverse complement: ZFHX3 is on the minus strand); deleting any 8 consecutive bases within chr16:72,798,720-72,798,735 gives the same sequence; the c. name uses the placement nearest the transcript's 3' end. VCF-style (leftmost placement, unchanged base first): chr16-72798719-TAAAAAAAA-T. GRCh37 (hg19) VCF-style: chr16-72832618-TAAAAAAAA-T.
Other names: c.3968-13_3968-6del (NM_001386735.1); c.1226-13_1226-6del (NM_001164766.2).
Identifiers: ClinVar variation 3900413 (VCV003900413.1).
Genomic context (GRCh38, chr16:72,798,719, plus strand): 5'-GCTTTGCTCTGTGCTTGCGGATGGCAAGATGTTCTTTCCCAGATCCTCTGAGGTTTCTGT[TAAAAAAAA>T]AAAAAAAATCAAACCCAAAGATAAAGAAGGCTTTGTTTCAAGGATGGCACCCAGAGCGGT-3'